The following is an entry in ClinVar:

NM_058216.3(RAD51C):c.12G>A (p.Lys4=)

Gene: RAD51C (RAD51 paralog C; plus strand). Cytogenetic location: 17q22.
Variant type: single nucleotide variant.
Coding change: c.12G>A on transcript NM_058216.3 (MANE Select); coding-DNA position 12, G replaced by A.
Protein change: p.Lys4=; no amino-acid change (lysine 4 retained).
Molecular consequence: synonymous variant. On other transcripts: non-coding transcript variant (2).
Genome position (GRCh38, 1-based): chr17:58,692,655, G>A. VCF-style: chr17-58692655-G-A. GRCh37 (hg19) VCF-style: chr17-56770016-G-A.
Other names: c.12G>A, p.Lys4= (NM_002876.4); c.12G>A (NM_058216.1).
Identifiers: ClinVar variation 417815 (VCV000417815.8), dbSNP rs781166242, ClinGen allele CA8677118.

ClinVar aggregate classification (germline): Benign/Likely benign. Review status: criteria provided, multiple submitters, no conflicts (2 of 4 stars). 5 submissions from 5 submitters: Benign (1); Likely benign (3). 1 of the submissions does not count toward it. Last evaluated 2025-11-13.

Conditions:
Hereditary cancer-predisposing syndrome. Also called: Tumor predisposition; Neoplastic Syndromes, Hereditary; Hereditary Cancer Syndrome; Hereditary neoplastic syndrome. Identifiers: Orphanet 140162, MedGen C0027672, MeSH D009386, MONDO:0015356.
Fanconi anemia complementation group O. Also called: RAD51C-Related Fanconi Anemia. Identifiers: Orphanet 84, MedGen C3150653, MONDO:0013248, OMIM 613390.
Breast-ovarian cancer, familial, susceptibility to, 3. Also called: RAD51C-Related Breast/Ovarian Cancer. Identifiers: Orphanet 145, MedGen C3150659, MONDO:0013253, OMIM 613399.
Familial cancer of breast. Also called: Hereditary breast cancer; BREAST CANCER, FAMILIAL; hereditary breast carcinoma. Identifiers: Orphanet 227535, MedGen C0346153, MONDO:0016419, OMIM 114480. Disease mechanism: loss of function.

Allele frequency attached by ClinVar (database versions not stated): gnomAD exomes below 0.00001; ExAC 0.00001.

Submissions (5):

Labcorp Genetics (formerly Invitae), Labcorp
Classification: Likely benign for Fanconi anemia complementation group O. Last evaluated: 2025-11-13. Review status: criteria provided, single submitter. Criteria: Invitae Variant Classification Sherloc (09022015). Collection method: clinical testing. Allele origin: germline.

Ambry Genetics
Classification: Likely benign for Hereditary cancer-predisposing syndrome. Last evaluated: 2025-04-14. Review status: criteria provided, single submitter. Criteria: Ambry Variant Classification Scheme 2023. Collection method: clinical testing. Allele origin: germline.

Myriad Genetics, Inc.
Classification: Benign for Breast-ovarian cancer, familial, susceptibility to, 3. Last evaluated: 2025-02-13. Review status: criteria provided, single submitter. Criteria: Myriad Autosomal Dominant, Autosomal Recessive and X-Linked Classification Criteria (2023). Collection method: clinical testing. Allele origin: unknown.
Comment: This variant is considered benign. This variant is a silent/synonymous amino acid change and it is not expected to impact splicing.

Color Diagnostics, LLC DBA Color Health
Classification: Likely benign for Hereditary cancer-predisposing syndrome. Last evaluated: 2016-05-02. Review status: criteria provided, single submitter. Criteria: ACMG Guidelines, 2015. Collection method: clinical testing. Allele origin: germline.

MVZ Praenatalmedizin und Genetik Nuernberg
Classification: Likely benign for Familial cancer of breast. Last evaluated: 2017-02-01. Review status: no assertion criteria provided. Collection method: clinical testing. Allele origin: unknown. Inheritance: Autosomal dominant inheritance. Affected: yes. Observed: 1 variant allele, 1 heterozygote. Not counted in ClinVar's aggregate classification.
Comment: This variant is predicted to be a silent mutation by multiple in silico analyses including in silico splicing predictions.